The following is an entry in ClinVar:

ClinVar aggregate classification (germline): Likely benign (0 of 4 stars; one submission).

Conditions:
BRSK2-related disorder. Also called: BRSK2-related condition; BRSK2-Related Disorders.

Allele frequency attached by ClinVar (database versions not stated): ESP Exome Variant Server 0.00024; TOPMed 0.00029; ExAC 0.00046; 1000 Genomes Project 30x 0.00047; gnomAD exomes 0.00050; gnomAD 0.00052; 1000 Genomes Project 0.00060.

Submission:

PreventionGenetics, part of Exact Sciences
Classification: Likely benign for BRSK2-related condition. Last evaluated: 2023-10-26. Review status: no assertion criteria provided. Collection method: clinical testing. Allele origin: germline.
Comment: This variant is classified as likely benign based on ACMG/AMP sequence variant interpretation guidelines (Richards et al. 2015 PMID: 25741868, with internal and published modifications).

NM_001256627.2(BRSK2):c.1969G>A (p.Gly657Arg)

Gene: BRSK2 (BR serine/threonine kinase 2; plus strand). Cytogenetic location: 11p15.5.
Variant type: single nucleotide variant.
Coding change: c.1969G>A on transcript NM_001256627.2 (MANE Select); coding-DNA position 1969, G replaced by A.
Protein change: p.Gly657Arg; replaces glycine 657 with arginine.
Molecular consequence: missense variant. On other transcripts: non-coding transcript variant (1), intron variant (2).
Genome position (GRCh38, 1-based): chr11:1,459,221, G>A. VCF-style: chr11-1459221-G-A. GRCh37 (hg19) VCF-style: chr11-1480451-G-A.
Other names: c.2107G>A, p.Gly703Arg (NM_001256630.1); c.1969G>A, p.Gly657Arg (NM_003957.4); c.*10-1749G>A (NM_001256629.2, NM_001282218.2); short protein forms G657R, G703R.
Identifiers: ClinVar variation 3035781 (VCV003035781.2), dbSNP rs185262747, ClinGen allele CA5811358.
Genomic context (GRCh38, chr11:1,459,221, plus strand): 5'-CCCTCCCTCCTCTCTCCATTCTGTACTCCAGACACCACTAACTGTATGGAAATGATGACG[G>A]GGCGGCTTTCCAAATGTGGTAAGAATCCCCCACGCTCACCTGGCACCTCCACCTGCCACT-3'
Protein context (NP_001243556.1, residues 647-667): DTTNCMEMMT[Gly657Arg]RLSKCGSPLS